The following is an entry in ClinVar:

NM_000138.5(FBN1):c.4337-39A>G

Gene: FBN1 (fibrillin 1; minus strand). Cytogenetic location: 15q21.1.
Variant type: single nucleotide variant.
Coding change: c.4337-39A>G on transcript NM_000138.5 (MANE Select); 39 bases into the intron before coding-DNA position 4337, A replaced by G.
Molecular consequence: intron variant.
Genome position (GRCh38, 1-based): chr15:48,470,795, T>C on the plus strand (A>G on the coding strand, the complement: FBN1 is on the minus strand). VCF-style: chr15-48470795-T-C. GRCh37 (hg19) VCF-style: chr15-48762992-T-C.
Other names: c.4337-39A>G (NM_001406716.1).
Identifiers: ClinVar variation 3044872 (VCV003044872.2), dbSNP rs755247690, ClinGen allele CA052642.

ClinVar aggregate classification (germline): Likely benign (0 of 4 stars; one submission).

Conditions:
FBN1-related disorder. Also called: FBN1-related disorders.

Allele frequency attached by ClinVar (database versions not stated): ExAC 0.00003; gnomAD exomes 0.00001.
gnomAD v4.1: 17 of 1,601,012 alleles (0.0011%); highest among the groups gnomAD compares: Admixed American, 0.0034%; no homozygotes.

Submission:

PreventionGenetics, part of Exact Sciences
Classification: Likely benign for FBN1-related condition. Last evaluated: 2023-10-18. Review status: no assertion criteria provided. Collection method: clinical testing. Allele origin: germline.
Comment: This variant is classified as likely benign based on ACMG/AMP sequence variant interpretation guidelines (Richards et al. 2015 PMID: 25741868, with internal and published modifications).